The following is an entry in ClinVar:

ClinVar aggregate classification (germline): Pathogenic (1 of 4 stars; one submission).

Conditions:
Hereditary cancer-predisposing syndrome. Also called: Hereditary Cancer Syndrome; Hereditary neoplastic syndrome; Neoplastic Syndromes, Hereditary; Tumor predisposition. Identifiers: Orphanet 140162, MedGen C0027672, MeSH D009386, MONDO:0015356.

Submission:

Ambry Genetics
Classification: Pathogenic for Hereditary cancer-predisposing syndrome. Last evaluated: 2023-06-27. Review status: criteria provided, single submitter. Criteria: Ambry Variant Classification Scheme 2023. Collection method: clinical testing. Allele origin: germline.
Comment: The c.1344dupT pathogenic mutation, located in coding exon 10 of the SDHA gene, results from a duplication of T at nucleotide position 1344, causing a translational frameshift with a predicted alternate stop codon (p.A449Cfs*32). This alteration is expected to result in loss of function by premature protein truncation or nonsense-mediated mRNA decay. As such, this alteration is interpreted as a disease-causing mutation.

NM_004168.4(SDHA):c.1344dup (p.Ala449fs)

Gene: SDHA (succinate dehydrogenase complex flavoprotein subunit A; plus strand). Cytogenetic location: 5p15.33.
Variant type: Duplication.
Coding change: c.1344dup on transcript NM_004168.4 (MANE Select); coding-DNA position 1344, one base duplicated (T; older notation c.1344dupT).
Protein change: p.Ala449fs; shifts the reading frame from alanine 449.
Molecular consequence: frameshift variant.
Genome position (GRCh38, 1-based): chr5:236,511, T duplicated. VCF-style (leftmost placement, unchanged base first): chr5-236510-G-GT. GRCh37 (hg19) VCF-style: chr5-236625-G-GT.
Other names: c.1200dup, p.Ala401fs (NM_001294332.2); c.1344dup, p.Ala449fs (NM_001330758.2); short protein forms A449fs, A401fs.
Identifiers: ClinVar variation 1770427 (VCV001770427.3), dbSNP rs2477375709, ClinGen allele CA2580073075.
Genomic context (GRCh38, chr5:236,510, plus strand): 5'-AGGATCAGATTGTGCCCGGCCTGTACGCCTGTGGGGAGGCCGCCTGTGCCTCGGTACATG[G>GT]TGCCAACCGCCTCGGGGCAAACTCGCTCTTGGACCTGGTTGTCTTTGGTCGGGCATGTGC-3'